The following is an entry in ClinVar:

NM_012414.4(RAB3GAP2):c.1078G>C (p.Ala360Pro)

Gene: RAB3GAP2 (RAB3 GTPase activating non-catalytic protein subunit 2; minus strand). Cytogenetic location: 1q41.
Variant type: single nucleotide variant.
Coding change: c.1078G>C on transcript NM_012414.4 (MANE Select); coding-DNA position 1078, G replaced by C.
Protein change: p.Ala360Pro; replaces alanine 360 with proline.
Molecular consequence: missense variant.
Genome position (GRCh38, 1-based): chr1:220,195,130, C>G on the plus strand (G>C on the coding strand, the complement: RAB3GAP2 is on the minus strand). VCF-style: chr1-220195130-C-G. GRCh37 (hg19) VCF-style: chr1-220368472-C-G.
Other names: short protein forms A360P.
Identifiers: ClinVar variation 2124801 (VCV002124801.4), dbSNP rs1469865620, ClinGen allele CA344646544.

ClinVar aggregate classification (germline): Uncertain significance (1 of 4 stars; one submission).

Conditions:
Martsolf syndrome (MARTS). Also called: Congenital cataract with intellectual disability and hypogonadotropic hypogonadism syndrome. Identifiers: Orphanet 1387, MedGen C0796037, MONDO:0023910.
Warburg micro syndrome 2 (WARBM2). Also called: MICRO SYNDROME 2. Identifiers: Orphanet 2510, MedGen C3280214, MONDO:0013641, OMIM 614225.

Allele frequency attached by ClinVar (database versions not stated): gnomAD exomes below 0.00001.
gnomAD v4.1: 1 of 1,614,126 alleles (0.000062%); highest among the groups gnomAD compares: Non-Finnish European, 0.000085%; no homozygotes.

Submission:

Labcorp Genetics (formerly Invitae), Labcorp
Classification: Uncertain significance for Martsolf syndrome; Warburg micro syndrome 2. Last evaluated: 2022-04-11. Review status: criteria provided, single submitter. Criteria: Invitae Variant Classification Sherloc (09022015). Collection method: clinical testing. Allele origin: germline.
Comment: In summary, the available evidence is currently insufficient to determine the role of this variant in disease. Therefore, it has been classified as a Variant of Uncertain Significance. This variant has not been reported in the literature in individuals affected with RAB3GAP2-related conditions. This sequence change replaces alanine, which is neutral and non-polar, with proline, which is neutral and non-polar, at codon 360 of the RAB3GAP2 protein (p.Ala360Pro). This variant is present in population databases (no rsID available, gnomAD 0.0009%). Algorithms developed to predict the effect of missense changes on protein structure and function output the following: SIFT: "Tolerated"; PolyPhen-2: "Benign"; Align-GVGD: "Class C0". The proline amino acid residue is found in multiple mammalian species, which suggests that this missense change does not adversely affect protein function.